The following is an entry in ClinVar:

NM_005055.5(RAPSN):c.814G>A (p.Ala272Thr)

Gene: RAPSN (receptor associated protein of the synapse; minus strand). Cytogenetic location: 11p11.2.
Variant type: single nucleotide variant.
Coding change: c.814G>A on transcript NM_005055.5 (MANE Select); coding-DNA position 814, G replaced by A.
Protein change: p.Ala272Thr; replaces alanine 272 with threonine.
Molecular consequence: missense variant. On other transcripts: intron variant (1).
Genome position (GRCh38, 1-based): chr11:47,441,709, C>T on the plus strand (G>A on the coding strand, the complement: RAPSN is on the minus strand). VCF-style: chr11-47441709-C-T. GRCh37 (hg19) VCF-style: chr11-47463261-C-T.
Other names: c.789+114G>A (NM_032645.5); c.814G>A (NM_005055.4); short protein forms A272T.
Identifiers: ClinVar variation 1037340 (VCV001037340.9), dbSNP rs771749514, ClinGen allele CA5976615.

ClinVar aggregate classification (germline): Uncertain significance. Review status: criteria provided, multiple submitters, no conflicts (2 of 4 stars). 3 submissions from 3 submitters: Uncertain significance (2). 1 of the submissions does not count toward it. Last evaluated 2025-01-19.

Conditions:
Fetal akinesia deformation sequence 1 (FADS1). Also called: Fetal akinesia sequence; Pena-Shokeir syndrome type I. Identifiers: Orphanet 994, MedGen C1276035, MONDO:0100101, OMIM 208150, HP:0001989.
Congenital myasthenic syndrome 11. Also called: Myasthenic syndrome, congenital, 11, associated with acetylcholine receptor deficiency; MYASTHENIC SYNDROME, CONGENITAL, Ie. Identifiers: Orphanet 590, MedGen C4225367, MONDO:0014588, OMIM 616326.
Congenital myasthenic syndrome (CMS). Also called: Congenital Myasthenic Syndromes. Identifiers: Orphanet 590, MedGen C0751882, MeSH D020294, MONDO:0018940.

Allele frequency attached by ClinVar (database versions not stated): gnomAD 0.00003 and 0.00004; TOPMed 0.00010.
gnomAD v4.1: 22 of 1,608,318 alleles (0.0014%); highest among the groups gnomAD compares: Admixed American, 0.018%; no homozygotes.

Submissions (3):

Revvity Omics, Revvity
Classification: Uncertain significance. Last evaluated: 2025-01-19. Review status: criteria provided, single submitter. Criteria: ACMG Guidelines, 2015. Collection method: clinical testing. Allele origin: germline.

Labcorp Genetics (formerly Invitae), Labcorp
Classification: Uncertain significance for Congenital myasthenic syndrome 11; Fetal akinesia deformation sequence 1. Last evaluated: 2022-08-03. Review status: criteria provided, single submitter. Criteria: Invitae Variant Classification Sherloc (09022015). Collection method: clinical testing. Allele origin: germline.
Comment: This sequence change replaces alanine, which is neutral and non-polar, with threonine, which is neutral and polar, at codon 272 of the RAPSN protein (p.Ala272Thr). The frequency data for this variant in the population databases is considered unreliable, as metrics indicate poor data quality at this position in the gnomAD database. This variant has not been reported in the literature in individuals affected with RAPSN-related conditions. ClinVar contains an entry for this variant (Variation ID: 1037340). Advanced modeling of protein sequence and biophysical properties (such as structural, functional, and spatial information, amino acid conservation, physicochemical variation, residue mobility, and thermodynamic stability) performed at Invitae indicates that this missense variant is expected to disrupt RAPSN protein function. In summary, the available evidence is currently insufficient to determine the role of this variant in disease. Therefore, it has been classified as a Variant of Uncertain Significance.

Natera, Inc.
Classification: Uncertain significance for Congenital myasthenic syndrome. Last evaluated: 2020-03-27. Review status: no assertion criteria provided. Collection method: clinical testing. Allele origin: germline. Not counted in ClinVar's aggregate classification.